The following is an entry in ClinVar:

NM_004991.4(MECOM):c.533A>G (p.Asp178Gly)

Gene: MECOM (MDS1 and EVI1 complex locus; minus strand). Cytogenetic location: 3q26.2.
Variant type: single nucleotide variant.
Coding change: c.533A>G on transcript NM_004991.4 (MANE Select); coding-DNA position 533, A replaced by G.
Protein change: p.Asp178Gly; replaces aspartic acid 178 with glycine.
Molecular consequence: missense variant. On other transcripts: 5 prime UTR variant (12).
Genome position (GRCh38, 1-based): chr3:169,131,509, T>C on the plus strand (A>G on the coding strand, the complement: MECOM is on the minus strand). VCF-style: chr3-169131509-T-C. GRCh37 (hg19) VCF-style: chr3-168849297-T-C.
Other names: c.161A>G, p.Asp54Gly (NM_001105077.4); c.-32A>G (NM_001105078.4, NM_001163999.2, NM_001164000.2 and 9 more transcripts); c.533A>G, p.Asp178Gly (NM_001366466.2, NM_001366473.2); short protein forms D178G, D54G.
Identifiers: ClinVar variation 5024134 (VCV005024134.1).
Genomic context (GRCh38, chr3:169,131,509, plus strand): 5'-GTTTCATGGGGATAGTCTTCGCTCTTCATGAACAGCAGAAGCTCCTCTCCCGGCGCAATG[T>C]CTGCAACTACTCTATAGAATATCTTTAAAGACAAAATAAAGGTGGATGGAATCAGGAAAG-3'
Protein context (NP_004982.2, residues 168-188): NDQIFYRVVA[Asp178Gly]IAPGEELLLF

ClinVar aggregate classification (germline): Uncertain significance (1 of 4 stars; one submission).

Conditions:
Inborn genetic diseases. Identifiers: MedGen C0950123, MeSH D030342.

gnomAD v4.1: 1 of 1,613,566 alleles (0.000062%); highest among the groups gnomAD compares: South Asian, 0.0011%; no homozygotes.

Submission:

Ambry Genetics
Classification: Uncertain significance for Inborn genetic diseases. Last evaluated: 2026-07-13. Review status: criteria provided, single submitter. Criteria: Ambry Variant Classification Scheme 2023. Collection method: clinical testing. Allele origin: germline.
Comment: The p.D178G variant (also known as c.533A>G), located in coding exon 4 of the MECOM gene, results from an A to G substitution at nucleotide position 533. The aspartic acid at codon 178 is replaced by glycine, an amino acid with similar properties. This amino acid position is conserved. In addition, this alteration is predicted to be tolerated by in silico analysis. Based on the available evidence, the clinical significance of this variant remains unclear.